The following is an entry in ClinVar:

ClinVar aggregate classification (germline): Benign. Review status: criteria provided, multiple submitters, no conflicts (2 of 4 stars). 8 submissions from 8 submitters: Benign (8). Last evaluated 2026-02-04.

Conditions:
Agammaglobulinemia 4, autosomal recessive (AGM4). Also called: AGAMMAGLOBULINEMIA, AUTOSOMAL RECESSIVE, DUE TO BLNK DEFECT; B cell linker protein deficiency. Identifiers: MedGen C3150752, MONDO:0013289, OMIM 613502.

Allele frequency attached by ClinVar (database versions not stated): 1000 Genomes Project 30x 0.46034; 1000 Genomes Project 0.46126; TOPMed 0.55095; ESP Exome Variant Server 0.55820.
gnomAD v4.1: 1,094,862 of 1,609,256 alleles (68%); highest among the groups gnomAD compares: Non-Finnish European, 73%; 384,878 homozygotes.

Submissions (8):

Labcorp Genetics (formerly Invitae), Labcorp
Classification: Benign for Agammaglobulinemia 4, autosomal recessive. Last evaluated: 2026-02-04. Review status: criteria provided, single submitter. Criteria: Invitae Variant Classification Sherloc (09022015). Collection method: clinical testing. Allele origin: germline.

Women's Health and Genetics/Laboratory Corporation of America, LabCorp
Classification: Benign. Last evaluated: 2026-01-21. Review status: criteria provided, single submitter. Criteria: LabCorp Variant Classification Summary - May 2015. Collection method: clinical testing. Allele origin: germline.

Unidad de Genómica Garrahan, Hospital de Pediatría Garrahan
Classification: Benign. Last evaluated: 2024-01-24. Review status: criteria provided, single submitter. Criteria: ACMG Guidelines, 2015. Collection method: clinical testing. Allele origin: germline. Affected: no. Observed: 87 variant alleles.
Comment: This variant is classified as Benign based on local population frequency. This variant was detected in 92% of patients studied by a panel of primary immunodeficiencies. Number of patients: 87. Only high quality variants are reported.

Genome-Nilou Lab
Classification: Benign for Agammaglobulinemia 4, autosomal recessive. Last evaluated: 2021-07-14. Review status: criteria provided, single submitter. Criteria: ACMG Guidelines, 2015. Collection method: clinical testing. Allele origin: germline. Affected: no.

GeneDx
Classification: Benign. Last evaluated: 2018-11-10. Review status: criteria provided, single submitter. Criteria: GeneDx Variant Classification Process June 2021. Collection method: clinical testing. Allele origin: germline. Affected: yes.

Mayo Clinic Laboratories, Mayo Clinic
Classification: Benign. Last evaluated: 2016-10-04. Review status: criteria provided, single submitter. Criteria: ACMG Guidelines, 2015. Collection method: clinical testing. Allele origin: germline. Observed: 104 variant alleles.

Laboratory for Molecular Medicine, Mass General Brigham Personalized Medicine
Classification: Benign. Last evaluated: 2016-03-29. Review status: criteria provided, single submitter. Criteria: LMM Criteria. Collection method: clinical testing. Allele origin: germline.
Comment: Variant identified in a genome or exome case(s) and assessed due to predicted null impact of the variant or pathogenic assertions in the literature or databases. Disclaimer: This variant has not undergone full assessment. The following are preliminary notes: Frequency

Breakthrough Genomics
Classification: Benign. Review status: criteria provided, single submitter. Criteria: ACMG Guidelines, 2015. Collection method: not provided. Allele origin: germline. Inheritance: Autosomal recessive inheritance. Affected: yes.

NM_013314.4(BLNK):c.171T>C (p.Pro57=)

Gene: BLNK (B cell linker; minus strand). Cytogenetic location: 10q24.1.
Variant type: single nucleotide variant.
Coding change: c.171T>C on transcript NM_013314.4 (MANE Select); coding-DNA position 171, T replaced by C.
Protein change: p.Pro57=; no amino-acid change (proline 57 retained).
Molecular consequence: synonymous variant. On other transcripts: non-coding transcript variant (4).
Genome position (GRCh38, 1-based): chr10:96,230,827, A>G on the plus strand (T>C on the coding strand, the complement: BLNK is on the minus strand). VCF-style: chr10-96230827-A-G. GRCh37 (hg19) VCF-style: chr10-97990583-A-G.
Other names: p.Pro57=; c.171T>C, p.Pro57= (NM_001114094.2, NM_001258440.2, NM_001258441.2 and 1 more transcripts).
Identifiers: ClinVar variation 402427 (VCV000402427.24), dbSNP rs727852, ClinGen allele CA5623564.